The following is an entry in ClinVar:

ClinVar aggregate classification (germline): Uncertain significance (1 of 4 stars; one submission).

gnomAD v4.1: 14 of 1,613,418 alleles (0.00087%); highest among the groups gnomAD compares: Middle Eastern, 0.033%; no homozygotes.

Submission:

Labcorp Genetics (formerly Invitae), Labcorp
Classification: Uncertain significance. Last evaluated: 2025-07-14. Review status: criteria provided, single submitter. Criteria: Invitae Variant Classification Sherloc (09022015). Collection method: clinical testing. Allele origin: germline.
Comment: This sequence change falls in intron 5 of the FBLN1 gene. It does not directly change the encoded amino acid sequence of the FBLN1 protein. It affects a nucleotide within the consensus splice site. This variant is present in population databases (no rsID available, gnomAD 0.0009%). This variant has not been reported in the literature in individuals affected with FBLN1-related conditions. ClinVar contains an entry for this variant (Variation ID: 3609421). Variants that disrupt the consensus splice site are a relatively common cause of aberrant splicing (PMID: 17576681, 9536098). Algorithms developed to predict the effect of sequence changes on RNA splicing suggest that this variant is not likely to affect RNA splicing. In summary, the available evidence is currently insufficient to determine the role of this variant in disease. Therefore, it has been classified as a Variant of Uncertain Significance.

Literature cited by the submitters: PubMed 17576681; PubMed 9536098.

NM_006486.3(FBLN1):c.544+3G>A

Gene: FBLN1 (fibulin 1; plus strand). Cytogenetic location: 22q13.31.
Variant type: single nucleotide variant.
Coding change: c.544+3G>A on transcript NM_006486.3 (MANE Select); 3 bases into the intron after coding-DNA position 544, G replaced by A.
Molecular consequence: intron variant.
Genome position (GRCh38, 1-based): chr22:45,531,327, G>A. VCF-style: chr22-45531327-G-A. GRCh37 (hg19) VCF-style: chr22-45927207-G-A.
Other names: c.544+3G>A (NM_006485.4, NM_001996.4, NM_006487.3).
Identifiers: ClinVar variation 3609421 (VCV003609421.2).
Genomic context (GRCh38, chr22:45,531,327, plus strand): 5'-AAGATCATTGAGGTTGAGGAGGAACAAGAGGACCCATATCTGAATGACCGCTGCCGAGGT[G>A]AGACTCGGGCGTCTCCCATCAGTTGGTATTTAAACAAACCCCAAGGGGCCAGCAAGGTGG-3'